The following is an entry in ClinVar:

NM_025114.4(CEP290):c.7341del (p.Lys2447fs)

Genes: CEP290 (centrosomal protein 290; minus strand), RLIG1 (RNA 5'-phosphate and 3'-OH ligase 1; plus strand). Cytogenetic location: 12q21.32.
Variant type: Deletion.
Coding change: c.7341del on transcript NM_025114.4 (MANE Select); coding-DNA position 7341, one base deleted (A; older notation c.7341delA).
Protein change: p.Lys2447fs; shifts the reading frame from lysine 2447.
Molecular consequence: frameshift variant. On other transcripts: 3 prime UTR variant (1).
Genome position (GRCh38, 1-based): chr12:88,049,283, T deleted on the plus strand (A on the coding strand, the reverse complement: CEP290 is on the minus strand); the first of 7 consecutive T bases (chr12:88,049,283-88,049,289); deleting any one gives the same sequence. VCF-style (leftmost placement, unchanged base first): chr12-88049282-GT-G. GRCh37 (hg19) VCF-style: chr12-88443059-GT-G.
Other names: c.*867del (NM_001009894.3); c.7341delA (NM_025114.3); short protein forms K2447fs.
Identifiers: ClinVar variation 1076473 (VCV001076473.15), dbSNP rs281865189, ClinGen allele CA6711284.
Genomic context (GRCh38, chr12:88,049,282, plus strand): 5'-CTTCAAACTCTTCAGAAGCAGCAACAGGGCTAGTTAATTCAACTCCCAATTGTTCTGAAA[GT>G]TTTTTTACCTTCTCTTCTAAGAGAATATTCTTCTTCACTTCTTCCTTGTAATTATACTTA-3'

ClinVar aggregate classification (germline): Pathogenic/Likely pathogenic. Review status: criteria provided, multiple submitters, no conflicts (2 of 4 stars). 7 submissions from 7 submitters: Pathogenic (2); Likely pathogenic (5). Last evaluated 2026-06-06.

Conditions:
CEP290-related disorder. Also called: CEP290-related disorders; CEP290-related condition. Identifiers: MedGen CN239314.
Nephronophthisis. Also called: Juvenile Nephronophthisis. Identifiers: Orphanet 655, MedGen C0687120, MONDO:0019005, HP:0000090.
Meckel-Gruber syndrome. Also called: Dysencephalia splachnocystica; DYSENCEPHALIA SPLANCHNOCYSTICA; GRUBER SYNDROME. Identifiers: Orphanet 564, MedGen C0265215, MONDO:0018921.
Joubert syndrome. Also called: JOUBERT-BOLTSHAUSER SYNDROME; Familial aplasia of the vermis. Identifiers: Orphanet 475, MedGen C5979921, MONDO:0018772.
Meckel syndrome, type 4 (MKS4). Also called: MECKEL-GRUBER SYNDROME, TYPE 4. Identifiers: Orphanet 564, MedGen C1970161, MONDO:0012626, OMIM 611134.
Joubert syndrome 5 (JBTS5). Identifiers: Orphanet 2318, MedGen C1857780, MONDO:0012432, OMIM 610188.
Senior-Loken syndrome 6 (SLSN6). Identifiers: Orphanet 3156, MedGen C1857779, MONDO:0012433, OMIM 610189.
Leber congenital amaurosis 10 (LCA10). Identifiers: Orphanet 65, MedGen C1857821, MONDO:0012723, OMIM 611755.
Bardet-Biedl syndrome 14 (BBS14). Identifiers: Orphanet 110, MedGen C2673874, MONDO:0014442, OMIM 615991.
Leber congenital amaurosis (LCA). Also called: Leber's amaurosis. Identifiers: Orphanet 65, MedGen C0339527, MeSH D057130, MONDO:0018998.

Submissions (7):

PreventionGenetics, part of Exact Sciences
Classification: Likely pathogenic for CEP290-related condition. Last evaluated: 2026-06-06. Review status: criteria provided, single submitter. Criteria: ACMG Guidelines, 2015. Collection method: clinical testing. Allele origin: germline.
Comment: The CEP290 c.7341delA variant is predicted to result in a frameshift and premature protein termination (p.Lys2447Asnfs*10). To our knowledge, this variant has not been reported in the literature. This variant is located in the terminal exon and is not predicted to cause nonsense mediated decay of the transcript. A similar frameshift variant (p.Leu2448Thrfs*8) has been reported in individuals with CEP290-related conditions (see for example: Sayer et al. 2006. PubMed ID: 16682973; den Hollander et al. 2006. PubMed ID: 16909394; Sanchez-Navarro et al. 2018. PubMed ID: 29588463). The p.Lys2447Asnfs*10 variant has been interpreted as pathogenic or likely pathogenic by multiple laboratories in ClinVar (Variation ID: 1076473). This variant is reported in 0.0045% of alleles in individuals of European (Non-Finnish) descent in gnomAD. This variant is interpreted as likely pathogenic.

Labcorp Genetics (formerly Invitae), Labcorp
Classification: Pathogenic for Joubert syndrome; Meckel-Gruber syndrome; Nephronophthisis. Last evaluated: 2026-01-12. Review status: criteria provided, single submitter. Criteria: Invitae Variant Classification Sherloc (09022015). Collection method: clinical testing. Allele origin: germline.
Comment: This sequence change creates a premature translational stop signal (p.Lys2447Asnfs*10) in the CEP290 gene. While this is not anticipated to result in nonsense mediated decay, it is expected to disrupt the last 33 amino acid(s) of the CEP290 protein. This variant is present in population databases (rs745589877, gnomAD 0.005%). This variant has not been reported in the literature in individuals affected with CEP290-related conditions. ClinVar contains an entry for this variant (Variation ID: 1076473). This variant disrupts a region of the CEP290 protein in which other variant(s) (p.Leu2448Thrfs*8) have been determined to be pathogenic (PMID: 16682973, 16909394, 29588463). This suggests that this is a clinically significant region of the protein, and that variants that disrupt it are likely to be disease-causing. For these reasons, this variant has been classified as Pathogenic.

Natera, Inc.
Classification: Likely pathogenic for Leber congenital amaurosis. Last evaluated: 2025-12-06. Review status: criteria provided, single submitter. Criteria: Natera Variant Classification Schema (03/2026). Collection method: clinical testing. Allele origin: germline.
Comment: The c.7341delA variant in CEP290 is a frameshift variant predicted to shift the reading frame beginning at codon 2447 and leads to a stop codon 10 codons downstream. This variant is expected to result in nonsense mediated decay, truncation, or a dysfunctional protein product. This variant is rare in the general population with a frequency below the threshold expected for the associated phenotype(s). Given the available evidence, this variant is classified as Likely Pathogenic.

Blueprint Genetics
Classification: Likely pathogenic for CEP290-related disorders. Last evaluated: 2023-07-05. Review status: criteria provided, single submitter. Criteria: ACMG Guidelines, 2015. Collection method: clinical testing. Allele origin: germline. Affected: yes. Observed: 3 variant alleles.

Baylor Genetics
Classification: Likely pathogenic for Bardet-Biedl syndrome 14. Last evaluated: 2023-04-26. Review status: criteria provided, single submitter. Criteria: ACMG Guidelines, 2015. Collection method: clinical testing. Allele origin: unknown.

Fulgent Genetics
Classification: Pathogenic for Joubert syndrome 5; Senior-Loken syndrome 6; Meckel syndrome, type 4; Leber congenital amaurosis 10; Bardet-Biedl syndrome 14. Last evaluated: 2022-04-15. Review status: criteria provided, single submitter. Criteria: ACMG Guidelines, 2015. Collection method: clinical testing. Allele origin: unknown.

Revvity Omics, Revvity
Classification: Likely pathogenic. Last evaluated: 2021-11-15. Review status: criteria provided, single submitter. Criteria: ACMG Guidelines, 2015. Collection method: clinical testing. Allele origin: germline.

Literature cited by the submitters: PubMed 16682973 (cited by Labcorp Genetics (formerly Invitae), Labcorp); PubMed 16909394 (cited by Labcorp Genetics (formerly Invitae), Labcorp); PubMed 29588463 (cited by Labcorp Genetics (formerly Invitae), Labcorp).